The following is an entry in ClinVar:

NM_201384.3(PLEC):c.784A>G (p.Met262Val)

Gene: PLEC (plectin; minus strand). Cytogenetic location: 8q24.3.
Variant type: single nucleotide variant.
Coding change: c.784A>G on transcript NM_201384.3 (MANE Select); coding-DNA position 784, A replaced by G.
Protein change: p.Met262Val; replaces methionine 262 with valine.
Molecular consequence: missense variant.
Genome position (GRCh38, 1-based): chr8:143,935,052, T>C on the plus strand (A>G on the coding strand, the complement: PLEC is on the minus strand). VCF-style: chr8-143935052-T-C. GRCh37 (hg19) VCF-style: chr8-145009220-T-C.
Other names: c.865A>G, p.Met289Val (NM_000445.5); c.742A>G, p.Met248Val (NM_201378.4); c.718A>G, p.Met240Val (NM_201379.3); c.1195A>G, p.Met399Val (NM_201380.4); c.688A>G, p.Met230Val (NM_201381.3); c.784A>G, p.Met262Val (NM_201382.4); c.796A>G, p.Met266Val (NM_201383.3); short protein forms M230V, M240V, M248V, M262V, M266V, M289V, M399V.
Identifiers: ClinVar variation 498621 (VCV000498621.9), dbSNP rs369229136, ClinGen allele CA187623648.

ClinVar aggregate classification (germline): Uncertain significance. Review status: criteria provided, multiple submitters, no conflicts (2 of 4 stars). 3 submissions from 3 submitters: Uncertain significance (3). Last evaluated 2023-05-19.

Conditions:
Epidermolysis bullosa simplex 5B, with muscular dystrophy (EBS5B). Also called: EPIDERMOLYSIS BULLOSA SIMPLEX AND LIMB-GIRDLE MUSCULAR DYSTROPHY; Epidermolysis bullosa simplex with muscular dystrophy. Identifiers: Orphanet 257, MedGen C2931072, MONDO:0009181, OMIM 226670.
Autosomal recessive limb-girdle muscular dystrophy type 2Q (LGMDR17). Also called: MUSCULAR DYSTROPHY, LIMB-GIRDLE, AUTOSOMAL RECESSIVE 17. Identifiers: Orphanet 254361, MedGen C3150989, MONDO:0013390, OMIM 613723.
Epidermolysis bullosa simplex, Ogna type (EBS5A). Also called: Pidermolysis bullosa simplex 5A, Ogna type; EPIDERMOLYSIS BULLOSA SIMPLEX 5A, OGNA TYPE. Identifiers: Orphanet 79401, MedGen C0432317, MONDO:0007555, OMIM 131950.
Epidermolysis bullosa simplex with nail dystrophy (EBS5D). Identifiers: MedGen C4225309, MONDO:0014661, OMIM 616487.
Epidermolysis bullosa simplex 5C, with pyloric atresia (EBS5C). Also called: PLEC-Related Epidermolysis Bullosa with Pyloric Atresia; Epidermolysis bullosa simplex with pyloric atresia; PLEC1-Related Epidermolysis Bullosa with Pyloric Atresia. Identifiers: Orphanet 158684, MedGen C2677349, MONDO:0012807, OMIM 612138.

Allele frequency attached by ClinVar (database versions not stated): TOPMed below 0.00001; gnomAD exomes 0.00002 and 0.00003; ESP Exome Variant Server 0.00008.
gnomAD v4.1: 42 of 1,612,794 alleles (0.0026%); highest among the groups gnomAD compares: Non-Finnish European, 0.0035%; no homozygotes.

Submissions (3):

Blueprint Genetics
Classification: Uncertain significance. Last evaluated: 2023-05-19. Review status: criteria provided, single submitter. Criteria: ACMG Guidelines, 2015. Collection method: clinical testing. Allele origin: germline.

Labcorp Genetics (formerly Invitae), Labcorp
Classification: Uncertain significance for Autosomal recessive limb-girdle muscular dystrophy type 2Q; Epidermolysis bullosa simplex, Ogna type; Epidermolysis bullosa simplex with nail dystrophy; Epidermolysis bullosa simplex 5C, with pyloric atresia; Epidermolysis bullosa simplex 5B, with muscular dystrophy. Last evaluated: 2022-11-06. Review status: criteria provided, single submitter. Criteria: Invitae Variant Classification Sherloc (09022015). Collection method: clinical testing. Allele origin: germline.
Comment: ClinVar contains an entry for this variant (Variation ID: 498621). In summary, the available evidence is currently insufficient to determine the role of this variant in disease. Therefore, it has been classified as a Variant of Uncertain Significance. Algorithms developed to predict the effect of missense changes on protein structure and function are either unavailable or do not agree on the potential impact of this missense change (SIFT: "Deleterious"; PolyPhen-2: "Not Available"; Align-GVGD: "Class C0"). This variant has not been reported in the literature in individuals affected with PLEC-related conditions. This variant is present in population databases (rs369229136, gnomAD 0.004%). This sequence change replaces methionine, which is neutral and non-polar, with valine, which is neutral and non-polar, at codon 289 of the PLEC protein (p.Met289Val).

Eurofins Ntd Llc (ga)
Classification: Uncertain significance. Last evaluated: 2016-12-04. Review status: criteria provided, single submitter. Criteria: EGL Classification Definitions 2015. Collection method: clinical testing. Allele origin: germline. Observed: 1 variant allele, 1 heterozygote.